The following is an entry in ClinVar:

NM_000368.5(TSC1):c.2503-11T>A

Gene: TSC1 (TSC complex subunit 1; minus strand). Cytogenetic location: 9q34.13.
Variant type: single nucleotide variant.
Coding change: c.2503-11T>A on transcript NM_000368.5 (MANE Select); 11 bases into the intron before coding-DNA position 2503, T replaced by A.
Molecular consequence: intron variant.
Genome position (GRCh38, 1-based): chr9:132,900,848, A>T on the plus strand (T>A on the coding strand, the complement: TSC1 is on the minus strand). VCF-style: chr9-132900848-A-T. GRCh37 (hg19) VCF-style: chr9-135776235-A-T.
Other names: c.2140-11T>A (NM_001362177.2); c.2350-11T>A (NM_001162427.2); c.2500-11T>A (NM_001162426.2).
Identifiers: ClinVar variation 1195282 (VCV001195282.14), dbSNP rs201568350, ClinGen allele CA032988.

ClinVar aggregate classification (germline): Conflicting classifications of pathogenicity. Review status: criteria provided, conflicting classifications (1 of 4 stars). 3 submissions from 3 submitters: Uncertain significance (1); Likely benign (2). Last evaluated 2026-01-26.

Conditions:
Tuberous sclerosis syndrome (TSC). Also called: Tuberous Sclerosis Complex; Tuberous sclerosis. Identifiers: Orphanet 805, MedGen C0041341, MONDO:0001734.
Tuberous sclerosis 1 (TSC1). Identifiers: Orphanet 805, MedGen C1854465, MONDO:0008612, OMIM 191100.

gnomAD v4.1: 11 of 1,613,892 alleles (0.00068%); highest among the groups gnomAD compares: Non-Finnish European, 0.00093%; no homozygotes.

Submissions (3):

Labcorp Genetics (formerly Invitae), Labcorp
Classification: Likely benign for Tuberous sclerosis 1. Last evaluated: 2026-01-26. Review status: criteria provided, single submitter. Criteria: Invitae Variant Classification Sherloc (09022015). Collection method: clinical testing. Allele origin: germline.

All of Us Research Program, National Institutes of Health
Classification: Likely benign for Tuberous sclerosis syndrome. Last evaluated: 2024-08-06. Review status: criteria provided, single submitter. Criteria: ACMG Guidelines, 2015. Collection method: clinical testing. Allele origin: germline. Inheritance: Autosomal dominant inheritance. Observed: 5 variant alleles, 5 heterozygotes.
Comment: This study involves interpretation of variants in research participants for the purpose of population health screening. Participant phenotype was not available at the time of variant classification. Additional details can be found in publication PMID: 35346344, PMCID: PMC8962531

GeneDx
Classification: Uncertain significance. Last evaluated: 2021-10-27. Review status: criteria provided, single submitter. Criteria: GeneDx Variant Classification Process June 2021. Collection method: clinical testing. Allele origin: germline. Affected: yes.
Comment: In silico analysis supports a deleterious effect on splicing; Has not been previously published as pathogenic or benign to our knowledge